The following is an entry in ClinVar:

NM_001374736.1(DST):c.2888A>G (p.Glu963Gly)

Gene: DST (dystonin; minus strand). Cytogenetic location: 6p12.1.
Variant type: single nucleotide variant.
Coding change: c.2888A>G on transcript NM_001374736.1 (MANE Select); coding-DNA position 2888, A replaced by G.
Protein change: p.Glu963Gly; replaces glutamic acid 963 with glycine.
Molecular consequence: missense variant.
Genome position (GRCh38, 1-based): chr6:56,639,335, T>C on the plus strand (A>G on the coding strand, the complement: DST is on the minus strand). VCF-style: chr6-56639335-T-C. GRCh37 (hg19) VCF-style: chr6-56504133-T-C.
Other names: c.2789A>G, p.Glu930Gly (NM_001144769.5); c.2375A>G, p.Glu792Gly (NM_001144770.2); c.2888A>G, p.Glu963Gly (NM_001374722.1); c.2255A>G, p.Glu752Gly (NM_001374729.1, NM_001374730.1, NM_001386100.1 and 1 more transcripts); c.2915A>G, p.Glu972Gly (NM_001374734.1); c.1277A>G, p.Glu426Gly (NM_001723.7, NM_015548.5); short protein forms E426G, E752G, E930G, E792G, E963G, E972G.
Identifiers: ClinVar variation 2952410 (VCV002952410.3), dbSNP rs2537152717, ClinGen allele CA364577240.

ClinVar aggregate classification (germline): Uncertain significance (1 of 4 stars; one submission).

Conditions:
Hereditary sensory and autonomic neuropathy type 6. Also called: HSAN VI; Neuropathy, hereditary sensory and autonomic, type VI. Identifiers: Orphanet 314381, MedGen C3539003, MONDO:0013839, OMIM 614653.
Epidermolysis bullosa simplex 3, localized or generalized intermediate, with BP230 deficiency (EBS3). Also called: Epidermolysis bullosa simplex, autosomal recessive 2; Epidermolysis bullosa simplex due to BP230 deficiency. Identifiers: Orphanet 412181, MedGen C3809470, MONDO:0014180, OMIM 615425.

Submission:

Labcorp Genetics (formerly Invitae), Labcorp
Classification: Uncertain significance for Epidermolysis bullosa simplex 3, localized or generalized intermediate, with BP230 deficiency; Hereditary sensory and autonomic neuropathy type 6. Last evaluated: 2024-01-25. Review status: criteria provided, single submitter. Criteria: Invitae Variant Classification Sherloc (09022015). Collection method: clinical testing. Allele origin: germline.
Comment: This sequence change replaces glutamic acid, which is acidic and polar, with glycine, which is neutral and non-polar, at codon 426 of the DST protein (p.Glu426Gly). This variant is not present in population databases (gnomAD no frequency). This variant has not been reported in the literature in individuals affected with DST-related conditions. An algorithm developed to predict the effect of missense changes on protein structure and function (PolyPhen-2) suggests that this variant is likely to be disruptive. In summary, the available evidence is currently insufficient to determine the role of this variant in disease. Therefore, it has been classified as a Variant of Uncertain Significance.